The following is an entry in ClinVar:

ClinVar aggregate classification (germline): Conflicting classifications of pathogenicity. Review status: criteria provided, conflicting classifications (1 of 4 stars). 7 submissions from 7 submitters: Uncertain significance (1); Benign (1); Likely benign (4). 1 of the submissions does not count toward it. Last evaluated 2025-08-02.

Conditions:
Inborn genetic diseases. Identifiers: MedGen C0950123, MeSH D030342.
Cataract 18 (CATC2). Also called: CATARACT 18, AUTOSOMAL RECESSIVE. Identifiers: Orphanet 91492, Orphanet 98991, Orphanet 98992, Orphanet 98995, MedGen C1864908, MONDO:0012395, OMIM 610019.
FYCO1-related disorder. Also called: FYCO1-related condition.

Allele frequency attached by ClinVar (database versions not stated): gnomAD exomes 0.00060; ExAC 0.00073; ESP Exome Variant Server 0.00192; gnomAD 0.00242 and 0.00266; 1000 Genomes Project 0.00260; TOPMed 0.00263; 1000 Genomes Project 30x 0.00344.
gnomAD v4.1: 665 of 1,612,564 alleles (0.041%); highest among the groups gnomAD compares: African/African-American, 0.8%; 2 homozygotes.

Submissions (7):

Ambry Genetics
Classification: Uncertain significance for Inborn genetic diseases. Last evaluated: 2025-08-02. Review status: criteria provided, single submitter. Criteria: Ambry Variant Classification Scheme 2023. Collection method: clinical testing. Allele origin: germline.

Labcorp Genetics (formerly Invitae), Labcorp
Classification: Benign for Cataract 18. Last evaluated: 2024-12-02. Review status: criteria provided, single submitter. Criteria: Invitae Variant Classification Sherloc (09022015). Collection method: clinical testing. Allele origin: germline.

Blueprint Genetics
Classification: Likely benign. Last evaluated: 2024-07-16. Review status: criteria provided, single submitter. Criteria: ACMG Guidelines, 2015. Collection method: clinical testing. Allele origin: germline.

Fulgent Genetics
Classification: Likely benign for Cataract 18. Last evaluated: 2021-08-06. Review status: criteria provided, single submitter. Criteria: ACMG Guidelines, 2015. Collection method: clinical testing. Allele origin: unknown.

GeneDx
Classification: Likely benign. Last evaluated: 2018-05-31. Review status: criteria provided, single submitter. Criteria: GeneDx Variant Classification (06012015). Collection method: clinical testing. Allele origin: germline. Affected: yes.
Comment: This variant is considered likely benign or benign based on one or more of the following criteria: it is a conservative change, it occurs at a poorly conserved position in the protein, it is predicted to be benign by multiple in silico algorithms, and/or has population frequency not consistent with disease.

Illumina Laboratory Services, Illumina
Classification: Likely benign for Cataract 18. Last evaluated: 2018-01-12. Review status: criteria provided, single submitter. Criteria: ICSL Variant Classification Criteria 13 December 2019. Collection method: clinical testing. Allele origin: germline.
Comment: This variant was observed in the ICSL laboratory as part of a predisposition screen in an ostensibly healthy population. It had not been previously curated by ICSL or reported in the Human Gene Mutation Database (HGMD: prior to June 1st, 2018), and was therefore a candidate for classification through an automated scoring system. Utilizing variant allele frequency, disease prevalence and penetrance estimates, and inheritance mode, an automated score was calculated to assess if this variant is too frequent to cause the disease. Based on the score and internal cut-off values, a variant classified as likely benign is not then subjected to further curation. The score for this variant resulted in a classification of likely benign for this disease.

PreventionGenetics, part of Exact Sciences
Classification: Benign for FYCO1-related condition. Last evaluated: 2020-06-08. Review status: no assertion criteria provided. Collection method: clinical testing. Allele origin: germline. Not counted in ClinVar's aggregate classification.
Comment: This variant is classified as benign based on ACMG/AMP sequence variant interpretation guidelines (Richards et al. 2015 PMID: 25741868, with internal and published modifications).

NM_024513.4(FYCO1):c.3779C>G (p.Pro1260Arg)

Gene: FYCO1 (FYVE and coiled-coil domain autophagy adaptor 1; minus strand). Cytogenetic location: 3p21.31.
Variant type: single nucleotide variant.
Coding change: c.3779C>G on transcript NM_024513.4 (MANE Select); coding-DNA position 3779, C replaced by G.
Protein change: p.Pro1260Arg; replaces proline 1260 with arginine.
Molecular consequence: missense variant.
Genome position (GRCh38, 1-based): chr3:45,958,428, G>C on the plus strand (C>G on the coding strand, the complement: FYCO1 is on the minus strand). VCF-style: chr3-45958428-G-C. GRCh37 (hg19) VCF-style: chr3-45999920-G-C.
Other names: c.3779C>G (NM_024513.2); short protein forms P1260R.
Identifiers: ClinVar variation 468446 (VCV000468446.19), dbSNP rs144182297, ClinGen allele CA2352704.
Genomic context (GRCh38, chr3:45,958,428, plus strand): 5'-ACCTAGAGAACATAGTAGGCAGTAGTAGCAGGAGACTGACCTTGGCCTCCTGTGGCCTGG[G>C]GCCCAGGTGAGGCTGGTGACAGTGCAGGGCTGGGCTCTCCCTGGCTAGTGCCTGAGCCAC-3'
Protein context (NP_078789.2, residues 1250-1270): SPALSPASPG[Pro1260Arg]QATGGQGANT